The following is an entry in ClinVar:

NM_002206.3(ITGA7):c.2775T>C (p.Gly925=)

Gene: ITGA7 (integrin subunit alpha 7; minus strand). Cytogenetic location: 12q13.2.
Variant type: single nucleotide variant.
Coding change: c.2775T>C on transcript NM_002206.3 (MANE Select); coding-DNA position 2775, T replaced by C.
Protein change: p.Gly925=; no amino-acid change (glycine 925 retained).
Molecular consequence: synonymous variant.
Genome position (GRCh38, 1-based): chr12:55,692,913, A>G on the plus strand (T>C on the coding strand, the complement: ITGA7 is on the minus strand). VCF-style: chr12-55692913-A-G. GRCh37 (hg19) VCF-style: chr12-56086697-A-G.
Other names: c.2787T>C, p.Gly929= (NM_001144996.2); c.2496T>C, p.Gly832= (NM_001144997.2); c.2448T>C, p.Gly816= (NM_001367993.1); c.1431T>C, p.Gly477= (NM_001367994.1); c.2757T>C, p.Gly919= (NM_001374465.1); c.2907T>C, p.Gly969= (NM_001410977.1); c.2769T>C, p.Gly923= (NM_001414029.1); c.2700T>C, p.Gly900= (NM_001414030.1); and 5 more.
Identifiers: ClinVar variation 2071729 (VCV002071729.4), dbSNP rs1592422603, ClinGen allele CA480144362.

ClinVar aggregate classification (germline): Uncertain significance (1 of 4 stars; one submission).

Conditions:
Congenital muscular dystrophy due to integrin alpha-7 deficiency. Also called: MYOPATHY, CONGENITAL, DUE TO INTEGRIN ALPHA-7 DEFICIENCY; Congenital muscular dystrophy with integrin alpha-7 deficiency; Muscular dystrophy, congenital, due to ITGA7 deficiency. Identifiers: Orphanet 34520, MedGen C2750786, MONDO:0013177, OMIM 613204.

Submission:

Labcorp Genetics (formerly Invitae), Labcorp
Classification: Uncertain significance for Congenital muscular dystrophy due to integrin alpha-7 deficiency. Last evaluated: 2022-07-12. Review status: criteria provided, single submitter. Criteria: Invitae Variant Classification Sherloc (09022015). Collection method: clinical testing. Allele origin: germline.
Comment: This sequence change affects codon 925 of the ITGA7 mRNA. It is a 'silent' change, meaning that it does not change the encoded amino acid sequence of the ITGA7 protein. This variant is not present in population databases (gnomAD no frequency). This variant has not been reported in the literature in individuals affected with ITGA7-related conditions. Algorithms developed to predict the effect of sequence changes on RNA splicing suggest that this variant may disrupt the consensus splice site. In summary, the available evidence is currently insufficient to determine the role of this variant in disease. Therefore, it has been classified as a Variant of Uncertain Significance.